The following is an entry in ClinVar:

NM_003159.3(CDKL5):c.2834A>G (p.His945Arg)

Genes: CDKL5 (cyclin dependent kinase like 5; plus strand), RS1 (retinoschisin 1; minus strand). Cytogenetic location: Xp22.13.
Variant type: single nucleotide variant.
Coding change: c.2834A>G on transcript NM_003159.3; coding-DNA position 2834, A replaced by G.
Protein change: p.His945Arg; replaces histidine 945 with arginine.
Molecular consequence: missense variant. On other transcripts: intron variant (1).
Genome position (GRCh38, 1-based): chrX:18,650,446, A>G. VCF-style: chrX-18650446-A-G. GRCh37 (hg19) VCF-style: chrX-18668566-A-G.
Other names: c.2834A>G, p.His945Arg (NM_001037343.2); c.185-3114T>C (NM_000330.4); short protein forms H945R.
Identifiers: ClinVar variation 390956 (VCV000390956.3), dbSNP rs1057523930, ClinGen allele CA16608801.

ClinVar aggregate classification (germline): Likely benign (1 of 4 stars; one submission).

Submission:

GeneDx
Classification: Likely benign. Last evaluated: 2016-11-24. Review status: criteria provided, single submitter. Criteria: GeneDx Variant Classification (06012015). Collection method: clinical testing. Allele origin: germline. Affected: yes.
Comment: This variant is considered likely benign or benign based on one or more of the following criteria: it is a conservative change, it occurs at a poorly conserved position in the protein, it is predicted to be benign by multiple in silico algorithms, and/or has population frequency not consistent with disease.